The following is an entry in ClinVar:

ClinVar aggregate classification (germline): Pathogenic. Review status: criteria provided, multiple submitters, no conflicts (2 of 4 stars). 6 submissions from 6 submitters: Pathogenic (2). 4 of the submissions do not count toward it. Last evaluated 2022-06-23.

Conditions:
Charcot-Marie-Tooth disease. Also called: Charcot-Marie-Tooth Neuropathy; Charcot-Marie-Tooth Hereditary Neuropathy. Identifiers: Orphanet 166, MedGen C0007959, MONDO:0015626.
Hereditary sensory and autonomic neuropathy type 2. Also called: HSN Type II; Hereditary sensory neuropathy type 2; Hereditary Sensory and Autonomic Neuropathy Type II. Identifiers: Orphanet 970, MedGen C0020072, MONDO:0019941.
Neuropathy, hereditary sensory and autonomic, type 2B (HSAN2B). Also called: RETREG1-Related HSAN2 (HSAN2B). Identifiers: Orphanet 970, MedGen C2751092, MONDO:0013142, OMIM 613115.

Submissions (6):

Kariminejad - Najmabadi Pathology & Genetics Center
Classification: Pathogenic for Neuropathy, hereditary sensory and autonomic, type 2B. Last evaluated: 2022-06-23. Review status: criteria provided, single submitter. Criteria: ACMG Guidelines, 2015. Collection method: clinical testing. Allele origin: germline. Inheritance: Autosomal recessive inheritance. Affected: yes.
Comment: PM2, PVS1, PP5

GeneDx
Classification: Pathogenic. Last evaluated: 2019-08-29. Review status: criteria provided, single submitter. Criteria: GeneDx Variant Classification Process June 2021. Collection method: clinical testing. Allele origin: germline. Affected: yes.
Comment: Nonsense variant predicted to result in protein truncation or nonsense mediated decay in a gene for which loss-of-function is a known mechanism of disease; Not observed in large population cohorts (Lek et al., 2016); This variant is associated with the following publications: (PMID: 21115472, 22302274, 26040720, 25525159, 19838196, 28144752, 31147549)

Inherited Neuropathy Consortium Ii, University Of Miami
Classification: Uncertain significance for Hereditary sensory and autonomic neuropathy type 2. Last evaluated: 2021-06-30. Review status: no assertion criteria provided. Collection method: literature only. Allele origin: germline. Affected: yes. Not counted in ClinVar's aggregate classification.

OMIM
Classification: Pathogenic for NEUROPATHY, HEREDITARY SENSORY AND AUTONOMIC, TYPE IIB. Last evaluated: 2009-11-01. Review status: no assertion criteria provided. Collection method: literature only. Allele origin: germline. Not counted in ClinVar's aggregate classification.

Inherited Neuropathy Consortium
Classification: Uncertain significance for Charcot-Marie-Tooth disease. Review status: no assertion criteria provided. Collection method: literature only. Allele origin: germline. Affected: yes. Not counted in ClinVar's aggregate classification.

Next Generation Genetic Polyclinic
Classification: Pathogenic for Neuropathy, hereditary sensory and autonomic, type 2B. Review status: no assertion criteria provided. Collection method: clinical testing. Allele origin: inherited. Affected: yes. Not counted in ClinVar's aggregate classification.

Literature cited by the submitters: PubMed 19838196 (cited by 3 submitters).

NM_001034850.3(RETREG1):c.433C>T (p.Gln145Ter)

Gene: RETREG1 (reticulophagy regulator 1; minus strand). Cytogenetic location: 5p15.1.
Variant type: single nucleotide variant.
Coding change: c.433C>T on transcript NM_001034850.3 (MANE Select); coding-DNA position 433, C replaced by T.
Protein change: p.Gln145Ter; replaces glutamine 145 with a stop codon.
Molecular consequence: nonsense.
Genome position (GRCh38, 1-based): chr5:16,565,788, G>A on the plus strand (C>T on the coding strand, the complement: RETREG1 is on the minus strand). VCF-style: chr5-16565788-G-A. GRCh37 (hg19) VCF-style: chr5-16565897-G-A.
Other names: short protein forms Q145*.
Identifiers: ClinVar variation 330 (VCV000000330.8), dbSNP rs137852737, ClinGen allele CA251432.